The following is an entry in ClinVar:

ClinVar aggregate classification (germline): Likely benign (1 of 4 stars; one submission).

Allele frequency attached by ClinVar (database versions not stated): TOPMed below 0.00001; gnomAD 0.00001.

Submission:

CeGaT Center for Human Genetics Tuebingen
Classification: Likely benign. Last evaluated: 2023-03-01. Review status: criteria provided, single submitter. Criteria: CeGaT Center For Human Genetics Tuebingen Variant Classification Criteria Version 2. Collection method: clinical testing. Allele origin: germline. Affected: yes. Observed: 1 variant allele.
Comment: EPS8L3: BP4, BP7

NM_133181.4(EPS8L3):c.1326G>A (p.Arg442=)

Gene: EPS8L3 (EPS8 signaling adaptor L3; minus strand). Cytogenetic location: 1p13.3.
Variant type: single nucleotide variant.
Coding change: c.1326G>A on transcript NM_133181.4 (MANE Select); coding-DNA position 1326, G replaced by A.
Protein change: p.Arg442=; no amino-acid change (arginine 442 retained).
Molecular consequence: synonymous variant.
Genome position (GRCh38, 1-based): chr1:109,752,103, C>T on the plus strand (G>A on the coding strand, the complement: EPS8L3 is on the minus strand). VCF-style: chr1-109752103-C-T. GRCh37 (hg19) VCF-style: chr1-110294725-C-T.
Other names: c.1137G>A, p.Arg379= (NM_001319952.2); c.1236G>A, p.Arg412= (NM_024526.4); c.1329G>A, p.Arg443= (NM_139053.3).
Identifiers: ClinVar variation 2638986 (VCV002638986.24), dbSNP rs1426540460, ClinGen allele CA419381897.